The following is an entry in ClinVar:

ClinVar aggregate classification (germline): Likely pathogenic (1 of 4 stars; one submission).

Conditions:
Wilson disease (WND). Also called: Wilson's disease. Identifiers: Orphanet 905, MedGen C0019202, MONDO:0010200, OMIM 277900. Disease mechanism: loss of function.

Submission:

Myriad Genetics, Inc.
Classification: Likely pathogenic for Wilson disease. Last evaluated: 2022-02-25. Review status: criteria provided, single submitter. Criteria: Myriad Women's Health Autosomal Recessive and X-Linked Classification Criteria (2021). Collection method: clinical testing. Allele origin: unknown.
Comment: NM_000053.3(ATP7B):c.2885_2895del11(S962Cfs*62) is expected to be pathogenic in the context of Wilson disease. This variant is predicted to lead to an abnormal or absent protein product due to the creation of a premature termination codon in ATP7B, a gene where loss-of-function variants are known to be pathogenic. Please note: this variant was assessed in the context of healthy population screening.

NM_000053.4(ATP7B):c.2885_2895del (p.Ser962fs)

Gene: ATP7B (ATPase copper transporting beta; minus strand). Cytogenetic location: 13q14.3.
Variant type: Deletion.
Coding change: c.2885_2895del on transcript NM_000053.4 (MANE Select); coding-DNA positions 2885 to 2895, 11 bases deleted (CCCAGACAGAG).
Protein change: p.Ser962fs; shifts the reading frame from serine 962.
Molecular consequence: frameshift variant.
Genome position (GRCh38, 1-based): chr13:51,946,449-51,946,459, CTCTGTCTGGG deleted on the plus strand (CCCAGACAGAG on the coding strand, the reverse complement: ATP7B is on the minus strand). VCF-style (leftmost placement, unchanged base first): chr13-51946448-CCTCTGTCTGGG-C. GRCh37 (hg19) VCF-style: chr13-52520584-CCTCTGTCTGGG-C.
Other names: c.2885_2895delCCCAGACAGAG, p.Ser962Cysfs (NM_001406511.1, NM_001406512.1, NM_001406513.1 and 2 more transcripts); c.2831_2841delCCCAGACAGAG, p.Ser944Cysfs (NM_001406515.1, NM_001406516.1); c.2789_2799delCCCAGACAGAG, p.Ser930Cysfs (NM_001406517.1, NM_001406518.1); c.2852_2862delCCCAGACAGAG, p.Ser951Cysfs (NM_001406514.1); c.2264_2274del, p.Ser755fs (NM_001005918.3); c.2552_2562del, p.Ser851fs (NM_001243182.2); c.2651_2661del, p.Ser884fs (NM_001330578.2); c.2633_2643del, p.Ser878fs (NM_001330579.2); and 14 more; short protein forms S755fs, S851fs, S878fs, S884fs, S962fs.
Identifiers: ClinVar variation 1724700 (VCV001724700.2), dbSNP rs2547647906, ClinGen allele CA2580087670.